The following is an entry in ClinVar:

ClinVar aggregate classification (germline): Uncertain significance. Review status: criteria provided, multiple submitters, no conflicts (2 of 4 stars). 2 submissions from 2 submitters: Uncertain significance (2). Last evaluated 2026-02-13.

Conditions:
Hereditary cancer-predisposing syndrome. Also called: Neoplastic Syndromes, Hereditary; Hereditary neoplastic syndrome; Tumor predisposition; Hereditary Cancer Syndrome. Identifiers: Orphanet 140162, MedGen C0027672, MeSH D009386, MONDO:0015356.
Peutz-Jeghers syndrome (PJS). Also called: Peutz-Jeghers polyposis; Periorificial lentiginosis syndrome; POLYPOSIS, HAMARTOMATOUS INTESTINAL; POLYPS-AND-SPOTS SYNDROME. Identifiers: Orphanet 2869, MedGen C0031269, MeSH D010580, MONDO:0008280, OMIM 175200.

Submissions (2):

Ambry Genetics
Classification: Uncertain significance for Hereditary cancer-predisposing syndrome. Last evaluated: 2026-02-13. Review status: criteria provided, single submitter. Criteria: Ambry Variant Classification Scheme 2023. Collection method: clinical testing. Allele origin: germline.
Comment: The p.A200T variant (also known as c.598G>A) is located in coding exon 5 of the STK11 gene. The alanine at codon 200 is replaced by threonine, an amino acid with similar properties. This change occurs in the first base pair of coding exon 5. This amino acid position is highly conserved in available vertebrate species. In addition, the in silico prediction for this alteration is inconclusive. Based on the available evidence, the clinical significance of this variant remains unclear.

Labcorp Genetics (formerly Invitae), Labcorp
Classification: Uncertain significance for Peutz-Jeghers syndrome. Last evaluated: 2018-05-02. Review status: criteria provided, single submitter. Criteria: Invitae Variant Classification Sherloc (09022015). Collection method: clinical testing. Allele origin: germline.
Comment: In summary, the available evidence is currently insufficient to determine the role of this variant in disease. Therefore, it has been classified as a Variant of Uncertain Significance. Algorithms developed to predict the effect of sequence changes on RNA splicing suggest that this variant may disrupt the consensus splice site, but this prediction has not been confirmed by published transcriptional studies. Algorithms developed to predict the effect of missense changes on protein structure and function do not agree on the potential impact of this missense change (SIFT: "Tolerated"; PolyPhen-2: "Probably Damaging"; Align-GVGD: "Class C0"). This variant has not been reported in the literature in individuals with STK11-related disease. This variant is not present in population databases (ExAC no frequency). This sequence change replaces alanine with threonine at codon 200 of the STK11 protein (p.Ala200Thr). The alanine residue is highly conserved and there is a small physicochemical difference between alanine and threonine.

NM_000455.5(STK11):c.598G>A (p.Ala200Thr)

Gene: STK11 (serine/threonine kinase 11; plus strand). Cytogenetic location: 19p13.3.
Variant type: single nucleotide variant.
Coding change: c.598G>A on transcript NM_000455.5 (MANE Select); coding-DNA position 598, G replaced by A.
Protein change: p.Ala200Thr; replaces alanine 200 with threonine.
Molecular consequence: missense variant.
Genome position (GRCh38, 1-based): chr19:1,220,581, G>A. VCF-style: chr19-1220581-G-A. GRCh37 (hg19) VCF-style: chr19-1220580-G-A.
Other names: short protein forms A200T.
Identifiers: ClinVar variation 571096 (VCV000571096.9), dbSNP rs1568707988, ClinGen allele CA402949393.